The following is an entry in ClinVar:

ClinVar aggregate classification (germline): Uncertain significance (1 of 4 stars; one submission).

Submission:

GeneDx
Classification: Uncertain significance. Last evaluated: 2017-11-03. Review status: criteria provided, single submitter. Criteria: GeneDx Variant Classification (06012015). Collection method: clinical testing. Allele origin: germline. Affected: yes.
Comment: The c.2148 G>A variant of uncertain significance in the PRDM16 gene has not been published as pathogenic or been reported as benign to our knowledge. This variant is not observed in large population cohorts (Lek et al., 2016). Although the c.2148 G>A variant results in a synonymous amino acid substitution (L716=), it occurs at a nucleotide that is conserved across species. However, in silico splice prediction programs predict this variant likely does not affecting splicing. Furthermore, no splicing variants in the PRDM16 gene have been reported in the Human Gene Mutation Database (Stenson et al., 2014). Nevertheless, in the absence of functional mRNA studies, the physiological consequence of this variant cannot be precisely determined.

NM_022114.4(PRDM16):c.2148G>A (p.Leu716=)

Gene: PRDM16 (PR/SET domain 16; plus strand). Cytogenetic location: 1p36.32.
Variant type: single nucleotide variant.
Coding change: c.2148G>A on transcript NM_022114.4 (MANE Select); coding-DNA position 2148, G replaced by A.
Protein change: p.Leu716=; no amino-acid change (leucine 716 retained).
Molecular consequence: synonymous variant.
Genome position (GRCh38, 1-based): chr1:3,412,345, G>A. VCF-style: chr1-3412345-G-A. GRCh37 (hg19) VCF-style: chr1-3328909-G-A.
Other names: c.2148G>A, p.Leu716= (NM_199454.3).
Identifiers: ClinVar variation 453110 (VCV000453110.2), dbSNP rs886908974, ClinGen allele CA415778149.